The following is an entry in ClinVar:

ClinVar aggregate classification (germline): Uncertain significance (1 of 4 stars; one submission).

Conditions:
Gastrointestinal stromal tumor. Also called: Gastrointestinal stromal tumor, somatic; Gastrointestinal stroma tumor. Identifiers: Orphanet 44890, MedGen C0238198, MeSH D046152, MONDO:0011719, OMIM 606764, HP:0100723.

Submission:

Labcorp Genetics (formerly Invitae), Labcorp
Classification: Uncertain significance for Gastrointestinal stromal tumor. Last evaluated: 2024-08-31. Review status: criteria provided, single submitter. Criteria: Invitae Variant Classification Sherloc (09022015). Collection method: clinical testing. Allele origin: germline.
Comment: This variant results in the deletion of exon 17 (c.2324-18_2335del) of the PDGFRA gene. It is expected to disrupt RNA splicing. Variants that disrupt the donor or acceptor splice site typically lead to a loss of protein function (PMID: 16199547), however the current clinical and genetic evidence is not sufficient to establish whether loss-of-function variants in PDGFRA cause disease. This variant is not present in population databases (gnomAD no frequency). This variant has not been reported in the literature in individuals affected with PDGFRA-related conditions. In summary, the available evidence is currently insufficient to determine the role of this variant in disease. Therefore, it has been classified as a Variant of Uncertain Significance.

Literature cited by the submitters: PubMed 16199547.

NM_006206.6(PDGFRA):c.2324-18_2335del

Gene: PDGFRA (platelet derived growth factor receptor alpha; plus strand). Cytogenetic location: 4q12.
Variant type: Deletion.
Coding change: c.2324-18_2335del on transcript NM_006206.6 (MANE Select); 18 bases into the intron before coding-DNA position 2324 through coding-DNA position 2335, 30 bases deleted (TTAATTTCTTTTCTGCAGACTCAGAAGTCA).
Molecular consequence: splice acceptor variant.
Genome position (GRCh38, 1-based): chr4:54,285,353-54,285,382, TTAATTTCTTTTCTGCAGACTCAGAAGTCA deleted. VCF-style (leftmost placement, unchanged base first): chr4-54285352-TTTAATTTCTTTTCTGCAGACTCAGAAGTCA-T. GRCh37 (hg19) VCF-style: chr4-55151519-TTTAATTTCTTTTCTGCAGACTCAGAAGTCA-T.
Other names: c.2399-18_2410del (NM_001347828.2); c.2324-18_2335del (NM_001347829.2); c.2363-18_2374del (NM_001347830.2).
Identifiers: ClinVar variation 3697148 (VCV003697148.2).
Genomic context (GRCh38, chr4:54,285,352, plus strand): 5'-TGTTCTTTGGGCATGCCTCTGCAACCTGATGATTTCCTGCTGCCTGCCAGCACCAATACA[TTTAATTTCTTTTCTGCAGACTCAGAAGTCA>T]AAAACCTCCTTTCAGATGATAACTCAGAAGGCCTTACTTTATTGGATTTGTTGAGCTTCA-3'